The following is an entry in ClinVar:

ClinVar aggregate classification (germline): Uncertain significance (1 of 4 stars; one submission).

Submission:

Labcorp Genetics (formerly Invitae), Labcorp
Classification: Uncertain significance. Last evaluated: 2022-02-05. Review status: criteria provided, single submitter. Criteria: Invitae Variant Classification Sherloc (09022015). Collection method: clinical testing. Allele origin: germline.
Comment: In summary, the available evidence is currently insufficient to determine the role of this variant in disease. Therefore, it has been classified as a Variant of Uncertain Significance. Algorithms developed to predict the effect of missense changes on protein structure and function output the following: SIFT: "Tolerated"; PolyPhen-2: "Possibly Damaging"; Align-GVGD: "Class C15". The leucine amino acid residue is found in multiple mammalian species, which suggests that this missense change does not adversely affect protein function. This variant has not been reported in the literature in individuals affected with EYS-related conditions. This variant is not present in population databases (gnomAD no frequency). This sequence change replaces serine, which is neutral and polar, with leucine, which is neutral and non-polar, at codon 1066 of the EYS protein (p.Ser1066Leu).

NM_001142800.2(EYS):c.3197C>T (p.Ser1066Leu)

Gene: EYS (EGF-like photoreceptor maintenance factor; minus strand). Cytogenetic location: 6q12.
Variant type: single nucleotide variant.
Coding change: c.3197C>T on transcript NM_001142800.2 (MANE Select); coding-DNA position 3197, C replaced by T.
Protein change: p.Ser1066Leu; replaces serine 1066 with leucine.
Molecular consequence: missense variant.
Genome position (GRCh38, 1-based): chr6:64,821,691, G>A on the plus strand (C>T on the coding strand, the complement: EYS is on the minus strand). VCF-style: chr6-64821691-G-A. GRCh37 (hg19) VCF-style: chr6-65531584-G-A.
Other names: c.3197C>T, p.Ser1066Leu (NM_001292009.2); short protein forms S1066L.
Identifiers: ClinVar variation 2093613 (VCV002093613.4), dbSNP rs2533165962, ClinGen allele CA364787233.